The following is an entry in ClinVar:

NM_152468.5(TMC8):c.1263C>G (p.Asn421Lys)

Gene: TMC8 (transmembrane channel like 8; plus strand). Cytogenetic location: 17q25.3.
Variant type: single nucleotide variant.
Coding change: c.1263C>G on transcript NM_152468.5 (MANE Select); coding-DNA position 1263, C replaced by G.
Protein change: p.Asn421Lys; replaces asparagine 421 with lysine.
Molecular consequence: missense variant.
Genome position (GRCh38, 1-based): chr17:78,137,728, C>G. VCF-style: chr17-78137728-C-G. GRCh37 (hg19) VCF-style: chr17-76133809-C-G.
Other names: short protein forms N421K.
Identifiers: ClinVar variation 1722285 (VCV001722285.6), dbSNP rs2510810395, ClinGen allele CA401249298.

ClinVar aggregate classification (germline): Uncertain significance (1 of 4 stars; one submission).

Conditions:
Epidermodysplasia verruciformis. Identifiers: Orphanet 302, MedGen C0014522, MONDO:0009176.

Submission:

Labcorp Genetics (formerly Invitae), Labcorp
Classification: Uncertain significance for Epidermodysplasia verruciformis. Last evaluated: 2022-07-21. Review status: criteria provided, single submitter. Criteria: Invitae Variant Classification Sherloc (09022015). Collection method: clinical testing. Allele origin: germline.
Comment: This sequence change replaces asparagine, which is neutral and polar, with lysine, which is basic and polar, at codon 421 of the TMC8 protein (p.Asn421Lys). This variant is not present in population databases (gnomAD no frequency). This variant has not been reported in the literature in individuals affected with TMC8-related conditions. Algorithms developed to predict the effect of missense changes on protein structure and function are either unavailable or do not agree on the potential impact of this missense change (SIFT: "Tolerated"; PolyPhen-2: "Possibly Damaging"; Align-GVGD: "Class C15"). In summary, the available evidence is currently insufficient to determine the role of this variant in disease. Therefore, it has been classified as a Variant of Uncertain Significance.